The following is an entry in ClinVar:

NM_013382.7(POMT2):c.245T>A (p.Ile82Asn)

Gene: POMT2 (protein O-mannosyltransferase 2; minus strand). Cytogenetic location: 14q24.3.
Variant type: single nucleotide variant.
Coding change: c.245T>A on transcript NM_013382.7 (MANE Select); coding-DNA position 245, T replaced by A.
Protein change: p.Ile82Asn; replaces isoleucine 82 with asparagine.
Molecular consequence: missense variant.
Genome position (GRCh38, 1-based): chr14:77,320,437, A>T on the plus strand (T>A on the coding strand, the complement: POMT2 is on the minus strand). VCF-style: chr14-77320437-A-T. GRCh37 (hg19) VCF-style: chr14-77786780-A-T.
Other names: short protein forms I82N.
Identifiers: ClinVar variation 944957 (VCV000944957.4), dbSNP rs563863191, ClinGen allele CA263794812.
Genomic context (GRCh38, chr14:77,320,437, plus strand): 5'-AGGGCGGCGTCCCGTCGCGGTTGCCATGGTGCCCGCCGAGTCCCTCCCATCACTCACCAG[A>T]TGTGCGGCGGCTCGTCCAAGCGGTGGAAGCGGGTGGCGAAGGACAGCAGCGTCACCAAGG-3'
Protein context (NP_037514.2, residues 72-92): RFHRLDEPPH[Ile82Asn]CWDETHFGKM

ClinVar aggregate classification (germline): Uncertain significance (1 of 4 stars; one submission).

Conditions:
Muscular dystrophy-dystroglycanopathy (congenital with brain and eye anomalies), type A2. Also called: MUSCULAR DYSTROPHY-DYSTROGLYCANOPATHY (CONGENITAL WITH BRAIN AND EYE ANOMALIES), TYPE A, 2; WALKER-WARBURG SYNDROME OR MUSCLE-EYE-BRAIN DISEASE, POMT2-RELATED. Identifiers: Orphanet 588, Orphanet 899, MedGen C3150411, MONDO:0013154, OMIM 613150.
Muscular dystrophy-dystroglycanopathy (congenital with impaired intellectual development), type B, 2. Also called: Muscular dystrophy-dystroglycanopathy (congenital with intellectual disability), type B2; MUSCULAR DYSTROPHY, CONGENITAL, POMT2-RELATED. Identifiers: MedGen C3150416, MONDO:0013160, OMIM 613156.
Autosomal recessive limb-girdle muscular dystrophy type 2N. Also called: Muscular dystrophy-dystroglycanopathy (limb-girdle), type C, 2; MUSCULAR DYSTROPHY-DYSTROGLYCANOPATHY, LIMB-GIRDLE, POMT2-RELATED. Identifiers: Orphanet 206559, MedGen C3150418, MONDO:0013162, OMIM 613158.

Allele frequency attached by ClinVar (database versions not stated): gnomAD 0.00001 and 0.00002; TOPMed 0.00002; 1000 Genomes Project 30x 0.00016; 1000 Genomes Project 0.00020; gnomAD exomes 0.00001.
gnomAD v4.1: 11 of 1,546,504 alleles (0.00071%); highest among the groups gnomAD compares: Admixed American, 0.002%; no homozygotes.

Submission:

Labcorp Genetics (formerly Invitae), Labcorp
Classification: Uncertain significance for Muscular dystrophy-dystroglycanopathy (congenital with impaired intellectual development), type B, 2; Muscular dystrophy-dystroglycanopathy (congenital with brain and eye anomalies), type A2; Autosomal recessive limb-girdle muscular dystrophy type 2N. Last evaluated: 2022-08-16. Review status: criteria provided, single submitter. Criteria: Invitae Variant Classification Sherloc (09022015). Collection method: clinical testing. Allele origin: germline.
Comment: This sequence change replaces isoleucine, which is neutral and non-polar, with asparagine, which is neutral and polar, at codon 82 of the POMT2 protein (p.Ile82Asn). This variant is present in population databases (rs563863191, gnomAD 0.002%). This variant has not been reported in the literature in individuals affected with POMT2-related conditions. ClinVar contains an entry for this variant (Variation ID: 944957). Algorithms developed to predict the effect of missense changes on protein structure and function (SIFT, PolyPhen-2, Align-GVGD) all suggest that this variant is likely to be disruptive. In summary, the available evidence is currently insufficient to determine the role of this variant in disease. Therefore, it has been classified as a Variant of Uncertain Significance.